The following is an entry in ClinVar:

ClinVar aggregate classification (germline): Benign. Review status: criteria provided, multiple submitters, no conflicts (2 of 4 stars). 2 submissions from 2 submitters: Benign (2). Last evaluated 2018-06-14.

Allele frequency attached by ClinVar (database versions not stated): gnomAD exomes 0.03629; 1000 Genomes Project 0.05112; 1000 Genomes Project 30x 0.05387; gnomAD 0.05662 and 0.05936; TOPMed 0.06140.
gnomAD v4.1: 61,033 of 1,589,306 alleles (3.8%); highest among the groups gnomAD compares: African/African-American, 12%; 1,583 homozygotes.

Submissions (2):

GeneDx
Classification: Benign. Last evaluated: 2018-06-14. Review status: criteria provided, single submitter. Criteria: GeneDx Variant Classification (06012015). Collection method: clinical testing. Allele origin: germline. Affected: yes.
Comment: This variant is considered likely benign or benign based on one or more of the following criteria: it is a conservative change, it occurs at a poorly conserved position in the protein, it is predicted to be benign by multiple in silico algorithms, and/or has population frequency not consistent with disease.

Breakthrough Genomics
Classification: Benign. Review status: criteria provided, single submitter. Criteria: ACMG Guidelines, 2015. Collection method: not provided. Allele origin: germline. Inheritance: Autosomal recessive inheritance. Affected: yes.

NM_003383.5(VLDLR):c.2336-65T>C

Gene: VLDLR (very low density lipoprotein receptor; plus strand). Cytogenetic location: 9p24.2.
Variant type: single nucleotide variant.
Coding change: c.2336-65T>C on transcript NM_003383.5 (MANE Select); 65 bases into the intron before coding-DNA position 2336, T replaced by C.
Molecular consequence: intron variant.
Genome position (GRCh38, 1-based): chr9:2,651,809, T>C. VCF-style: chr9-2651809-T-C. GRCh37 (hg19) VCF-style: chr9-2651809-T-C.
Other names: c.2252-65T>C (NM_001018056.3); c.2213-65T>C (NM_001322225.2); c.2129-65T>C (NM_001322226.2).
Identifiers: ClinVar variation 674400 (VCV000674400.2), dbSNP rs7043949, ClinGen allele CA187960775.
Genomic context (GRCh38, chr9:2,651,809, plus strand): 5'-TGTTCAATTGTTGTAGATACTGAACATCAATATTGGATGCAAAGGTTTTGGCTCCTTACC[T>C]GATGGGTAAATTTCTAAGTCTGAATACAGATCCTTCTAAACTGATTCCTTTTATTCCTCT-3'